The following is an entry in ClinVar:

NM_000257.4(MYH7):c.2286+4A>G

Gene: MYH7 (myosin heavy chain 7; minus strand). Cytogenetic location: 14q11.2.
Variant type: single nucleotide variant.
Coding change: c.2286+4A>G on transcript NM_000257.4 (MANE Select); 4 bases into the intron after coding-DNA position 2286, A replaced by G.
Molecular consequence: intron variant.
Genome position (GRCh38, 1-based): chr14:23,425,691, T>C on the plus strand (A>G on the coding strand, the complement: MYH7 is on the minus strand). VCF-style: chr14-23425691-T-C. GRCh37 (hg19) VCF-style: chr14-23894900-T-C.
Other names: c.2286+4A>G (NM_001407004.1).
Identifiers: ClinVar variation 3609413 (VCV003609413.2).
Genomic context (GRCh38, chr14:23,425,691, plus strand): 5'-AAGCATCAGAGGAGTCAATGGAAAAGAGATGTCTTCCTTTAATTAATTAGTCTCCTTTCC[T>C]CACCTTGGTGTGGCCAAACTTGTACTGGTTGTGATCAATGTCCAGGGAGCTGAGCAGCTT-3'

ClinVar aggregate classification (germline): Uncertain significance (1 of 4 stars; one submission).

Conditions:
Hypertrophic cardiomyopathy. Also called: HYPERTROPHIC MYOCARDIOPATHY. Identifiers: Orphanet 217569, MedGen C0007194, MeSH D002312, MONDO:0005045, HP:0001639.

Submission:

Labcorp Genetics (formerly Invitae), Labcorp
Classification: Uncertain significance for Hypertrophic cardiomyopathy. Last evaluated: 2024-05-13. Review status: criteria provided, single submitter. Criteria: Invitae Variant Classification Sherloc (09022015). Collection method: clinical testing. Allele origin: germline.
Comment: This sequence change falls in intron 20 of the MYH7 gene. It does not directly change the encoded amino acid sequence of the MYH7 protein. It affects a nucleotide within the consensus splice site. This variant is not present in population databases (gnomAD no frequency). This variant has not been reported in the literature in individuals affected with MYH7-related conditions. Variants that disrupt the consensus splice site are a relatively common cause of aberrant splicing (PMID: 17576681, 9536098). Algorithms developed to predict the effect of sequence changes on RNA splicing suggest that this variant is not likely to affect RNA splicing. In summary, the available evidence is currently insufficient to determine the role of this variant in disease. Therefore, it has been classified as a Variant of Uncertain Significance.

Literature cited by the submitters: PubMed 17576681; PubMed 9536098.